The following is an entry in ClinVar:

NM_014915.3(ANKRD26):c.2819A>G (p.Lys940Arg)

Gene: ANKRD26 (ankyrin repeat domain 26; minus strand). Cytogenetic location: 10p12.1.
Variant type: single nucleotide variant.
Coding change: c.2819A>G on transcript NM_014915.3 (MANE Select); coding-DNA position 2819, A replaced by G.
Protein change: p.Lys940Arg; replaces lysine 940 with arginine.
Molecular consequence: missense variant.
Genome position (GRCh38, 1-based): chr10:27,035,631, T>C on the plus strand (A>G on the coding strand, the complement: ANKRD26 is on the minus strand). VCF-style: chr10-27035631-T-C. GRCh37 (hg19) VCF-style: chr10-27324560-T-C.
Other names: c.2816A>G, p.Lys939Arg (NM_001256053.2); short protein forms K939R, K940R.
Identifiers: ClinVar variation 2580673 (VCV002580673.4), dbSNP rs773187079, ClinGen allele CA5448142.

ClinVar aggregate classification (germline): Uncertain significance. Review status: criteria provided, multiple submitters, no conflicts (2 of 4 stars). 2 submissions from 2 submitters: Uncertain significance (2). Last evaluated 2025-03-20.

Conditions:
Inborn genetic diseases. Identifiers: MedGen C0950123, MeSH D030342.

Allele frequency attached by ClinVar (database versions not stated): gnomAD exomes below 0.00001; ExAC 0.00001.
gnomAD v4.1: 4 of 1,591,972 alleles (0.00025%); highest among the groups gnomAD compares: Non-Finnish European, 0.00034%; no homozygotes.

Submissions (2):

Ambry Genetics
Classification: Uncertain significance for Inborn genetic diseases. Last evaluated: 2025-03-20. Review status: criteria provided, single submitter. Criteria: Ambry Variant Classification Scheme 2023. Collection method: clinical testing. Allele origin: germline.
Comment: The p.K940R variant (also known as c.2819A>G), located in coding exon 24 of the ANKRD26 gene, results from an A to G substitution at nucleotide position 2819. The lysine at codon 940 is replaced by arginine, an amino acid with highly similar properties. This amino acid position is conserved. In addition, this alteration is predicted to be tolerated by in silico analysis. Based on the available evidence, the clinical significance of this variant remains unclear.

GeneDx
Classification: Uncertain significance. Last evaluated: 2024-01-31. Review status: criteria provided, single submitter. Criteria: GeneDx Variant Classification Process June 2021. Collection method: clinical testing. Allele origin: germline.
Comment: Not observed at significant frequency in large population cohorts (gnomAD); In silico analysis supports that this missense variant does not alter protein structure/function; Has not been previously published as pathogenic or benign to our knowledge